The following is an entry in ClinVar:

ClinVar aggregate classification (germline): Uncertain significance. Review status: criteria provided, multiple submitters, no conflicts (2 of 4 stars). 2 submissions from 2 submitters: Uncertain significance (2). Last evaluated 2023-12-17.

Conditions:
Hypertrophic cardiomyopathy. Also called: HYPERTROPHIC MYOCARDIOPATHY. Identifiers: Orphanet 217569, MedGen C0007194, MeSH D002312, MONDO:0005045, HP:0001639.

Submissions (2):

GeneDx
Classification: Uncertain significance. Last evaluated: 2023-12-17. Review status: criteria provided, single submitter. Criteria: GeneDx Variant Classification Process June 2021. Collection method: clinical testing. Allele origin: germline. Affected: yes.
Comment: Not observed at significant frequency in large population cohorts (gnomAD); In silico analysis suggests this variant may impact gene splicing. In the absence of RNA/functional studies, the actual effect of this sequence change is unknown.; In silico analysis supports that this missense variant does not alter protein structure/function; Has not been previously published as pathogenic or benign to our knowledge; This variant is associated with the following publications: (PMID: 27532257, 29300372)

Labcorp Genetics (formerly Invitae), Labcorp
Classification: Uncertain significance for Hypertrophic cardiomyopathy. Last evaluated: 2020-01-11. Review status: criteria provided, single submitter. Criteria: Invitae Variant Classification Sherloc (09022015). Collection method: clinical testing. Allele origin: germline.
Comment: Algorithms developed to predict the effect of missense changes on protein structure and function are either unavailable or do not agree on the potential impact of this missense change (SIFT: "Deleterious"; PolyPhen-2: "Benign"; Align-GVGD: "Class C25"). In summary, the available evidence is currently insufficient to determine the role of this variant in disease. Therefore, it has been classified as a Variant of Uncertain Significance. This variant is found within a region of MYH7 between codons 181 and 937 that contains the majority of the myosin head domain. Missense variants in this region have been shown to be significantly overrepresented in individuals with hypertrophic cardiomyopathy (PMID: 27532257). This variant has not been reported in the literature in individuals with MYH7-related conditions. This variant is not present in population databases (ExAC no frequency). This sequence change replaces leucine with valine at codon 889 of the MYH7 protein (p.Leu889Val). The leucine residue is highly conserved and there is a small physicochemical difference between leucine and valine.

Literature cited by the submitters: PubMed 27532257 (cited by Labcorp Genetics (formerly Invitae), Labcorp).

NM_000257.4(MYH7):c.2665C>G (p.Leu889Val)

Genes: MYH7 (myosin heavy chain 7; minus strand), LOC126861898 (BRD4-independent group 4 enhancer GRCh37_chr14:23893609-23894808; plus strand). Cytogenetic location: 14q11.2.
Variant type: single nucleotide variant.
Coding change: c.2665C>G on transcript NM_000257.4 (MANE Select); coding-DNA position 2665, C replaced by G.
Protein change: p.Leu889Val; replaces leucine 889 with valine.
Molecular consequence: missense variant.
Genome position (GRCh38, 1-based): chr14:23,424,783, G>C on the plus strand (C>G on the coding strand, the complement: MYH7 is on the minus strand). VCF-style: chr14-23424783-G-C. GRCh37 (hg19) VCF-style: chr14-23893992-G-C.
Other names: c.2665C>G (NM_000257.2); short protein forms L889V.
Identifiers: ClinVar variation 1056630 (VCV001056630.11), dbSNP rs758006914, ClinGen allele CA389047838.